The following is an entry in ClinVar:

ClinVar aggregate classification (germline): Benign. Review status: criteria provided, multiple submitters, no conflicts (2 of 4 stars). 2 submissions from 2 submitters: Benign (2). Last evaluated 2018-01-13.

Conditions:
Neuronal ceroid lipofuscinosis 2. Also called: TPP1-Related Neuronal Ceroid-Lipofuscinosis; JANSKY-BIELSCHOWSKY DISEASE NEURONAL CEROID LIPOFUSCINOSIS, LATE INFANTILE. Identifiers: Orphanet 168491, Orphanet 228349, Orphanet 79264, MedGen C1876161, MONDO:0008769, OMIM 204500.

Allele frequency attached by ClinVar (database versions not stated): 1000 Genomes Project 30x 0.44097; TOPMed 0.44590; 1000 Genomes Project 0.44888; gnomAD 0.44955 and 0.45466; gnomAD exomes 0.53795.
gnomAD v4.1: 69,671 of 152,556 alleles (46%); highest among the groups gnomAD compares: Non-Finnish European, 55%; 17,589 homozygotes.

Submissions (2):

Illumina Laboratory Services, Illumina
Classification: Benign for Neuronal ceroid lipofuscinosis 2. Last evaluated: 2018-01-13. Review status: criteria provided, single submitter. Criteria: ICSL Variant Classification Criteria 13 December 2019. Collection method: clinical testing. Allele origin: germline.
Comment: This variant was observed in the ICSL laboratory as part of a predisposition screen in an ostensibly healthy population. It had not been previously curated by ICSL or reported in the Human Gene Mutation Database (HGMD: prior to June 1st, 2018), and was therefore a candidate for classification through an automated scoring system. Utilizing variant allele frequency, disease prevalence and penetrance estimates, and inheritance mode, an automated score was calculated to assess if this variant is too frequent to cause the disease. Based on the score and internal cut-off values, a variant classified as benign is not then subjected to further curation. The score for this variant resulted in a classification of benign for this disease.

Breakthrough Genomics
Classification: Benign. Review status: criteria provided, single submitter. Criteria: ACMG Guidelines, 2015. Collection method: not provided. Allele origin: germline. Inheritance: Autosomal recessive inheritance. Affected: yes.

NM_000391.4(TPP1):c.*1588C>T

Gene: TPP1 (tripeptidyl peptidase 1; minus strand). Cytogenetic location: 11p15.4.
Variant type: single nucleotide variant.
Coding change: c.*1588C>T on transcript NM_000391.4 (MANE Select); 1588 bases downstream of the stop codon, C replaced by T.
Molecular consequence: 3 prime UTR variant.
Genome position (GRCh38, 1-based): chr11:6,612,958, G>A on the plus strand (C>T on the coding strand, the complement: TPP1 is on the minus strand). VCF-style: chr11-6612958-G-A. GRCh37 (hg19) VCF-style: chr11-6634189-G-A.
Identifiers: ClinVar variation 305490 (VCV000305490.6), dbSNP rs7487, ClinGen allele CA10639070.